The following is an entry in ClinVar:

ClinVar aggregate classification (germline): Uncertain significance (1 of 4 stars; one submission).

Conditions:
ADAMTS9-related disorder. Also called: ADAMTS9-related condition.

Submission:

PreventionGenetics, part of Exact Sciences
Classification: Uncertain significance for ADAMTS9-related condition. Last evaluated: 2024-11-22. Review status: criteria provided, single submitter. Criteria: ACMG Guidelines, 2015. Collection method: clinical testing. Allele origin: germline.
Comment: The ADAMTS9 c.3811C>A variant is predicted to result in the amino acid substitution p.His1271Asn. To our knowledge, this variant has not been reported in the literature or in a large population database (gnomAD), indicating this variant is rare. At this time, the clinical significance of this variant is uncertain due to the absence of conclusive functional and genetic evidence.

NM_182920.2(ADAMTS9):c.3811C>A (p.His1271Asn)

Gene: ADAMTS9 (ADAM metallopeptidase with thrombospondin type 1 motif 9; minus strand). Cytogenetic location: 3p14.1.
Variant type: single nucleotide variant.
Coding change: c.3811C>A on transcript NM_182920.2 (MANE Select); coding-DNA position 3811, C replaced by A.
Protein change: p.His1271Asn; replaces histidine 1271 with asparagine.
Molecular consequence: missense variant.
Genome position (GRCh38, 1-based): chr3:64,602,150, G>T on the plus strand (C>A on the coding strand, the complement: ADAMTS9 is on the minus strand). VCF-style: chr3-64602150-G-T. GRCh37 (hg19) VCF-style: chr3-64587826-G-T.
Other names: c.3727C>A, p.His1243Asn (NM_001318781.2); short protein forms H1243N, H1271N.
Identifiers: ClinVar variation 4990420 (VCV004990420.1).